The following is an entry in ClinVar:

NM_005006.7(NDUFS1):c.154-291G>A

Gene: NDUFS1 (NADH:ubiquinone oxidoreductase core subunit S1; minus strand). Cytogenetic location: 2q33.3.
Variant type: single nucleotide variant.
Coding change: c.154-291G>A on transcript NM_005006.7 (MANE Select); 291 bases into the intron before coding-DNA position 154, G replaced by A.
Molecular consequence: intron variant.
Genome position (GRCh38, 1-based): chr2:206,150,216, C>T on the plus strand (G>A on the coding strand, the complement: NDUFS1 is on the minus strand). VCF-style: chr2-206150216-C-T. GRCh37 (hg19) VCF-style: chr2-207014940-C-T.
Other names: c.6-2382G>A (NM_001199982.2); c.-18-291G>A (NM_001199983.2); c.154-1120G>A (NM_001199981.2); c.196-291G>A (NM_001199984.2).
Identifiers: ClinVar variation 673221 (VCV000673221.1), dbSNP rs115932219, ClinGen allele CA63670514.

ClinVar aggregate classification (germline): Likely benign (1 of 4 stars; one submission).

Allele frequency attached by ClinVar (database versions not stated): gnomAD 0.00344 and 0.00369; TOPMed 0.00379; 1000 Genomes Project 0.00399; 1000 Genomes Project 30x 0.00422.

Submission:

GeneDx
Classification: Likely benign. Last evaluated: 2018-06-14. Review status: criteria provided, single submitter. Criteria: GeneDx Variant Classification (06012015). Collection method: clinical testing. Allele origin: germline. Affected: yes.
Comment: This variant is considered likely benign or benign based on one or more of the following criteria: it is a conservative change, it occurs at a poorly conserved position in the protein, it is predicted to be benign by multiple in silico algorithms, and/or has population frequency not consistent with disease.